The following is an entry in ClinVar:

ClinVar aggregate classification (germline): Uncertain significance (1 of 4 stars; one submission).

Submission:

GeneDx
Classification: Uncertain significance. Last evaluated: 2024-10-31. Review status: criteria provided, single submitter. Criteria: GeneDx Variant Classification Process June 2021. Collection method: clinical testing. Allele origin: germline. Affected: yes.
Comment: Not observed at significant frequency in large population cohorts (gnomAD); In silico analysis indicates that this missense variant does not alter protein structure/function; Has not been previously published as pathogenic or benign to our knowledge

NM_014712.3(SETD1A):c.4477T>A (p.Ser1493Thr)

Gene: SETD1A (SET domain containing 1A, histone lysine methyltransferase; plus strand). Cytogenetic location: 16p11.2.
Variant type: single nucleotide variant.
Coding change: c.4477T>A on transcript NM_014712.3 (MANE Select); coding-DNA position 4477, T replaced by A.
Protein change: p.Ser1493Thr; replaces serine 1493 with threonine.
Molecular consequence: missense variant.
Genome position (GRCh38, 1-based): chr16:30,980,553, T>A. VCF-style: chr16-30980553-T-A. GRCh37 (hg19) VCF-style: chr16-30991874-T-A.
Other names: short protein forms S1493T.
Identifiers: ClinVar variation 3897470 (VCV003897470.1).
Genomic context (GRCh38, chr16:30,980,553, plus strand): 5'-CTGACCACCCCAAAACGCAAGCGGCGGCCCCAGGATGGGCCCCGGGAGCACCAGACAGGC[T>A]CAGCCCGCAGCGAAGGCTACTACCCCATCAGCAAGAAGGAGAAGGACAAGTACCTGGACG-3'
Protein context (NP_055527.1, residues 1483-1503): QDGPREHQTG[Ser1493Thr]ARSEGYYPIS